The following is an entry in ClinVar:

NM_014714.4(IFT140):c.3963C>T (p.Ser1321=)

Gene: IFT140 (intraflagellar transport 140; minus strand). Cytogenetic location: 16p13.3.
Variant type: single nucleotide variant.
Coding change: c.3963C>T on transcript NM_014714.4 (MANE Select); coding-DNA position 3963, C replaced by T.
Protein change: p.Ser1321=; no amino-acid change (serine 1321 retained).
Molecular consequence: synonymous variant.
Genome position (GRCh38, 1-based): chr16:1,519,958, G>A on the plus strand (C>T on the coding strand, the complement: IFT140 is on the minus strand). VCF-style: chr16-1519958-G-A. GRCh37 (hg19) VCF-style: chr16-1569959-G-A.
Other names: c.3963C>T (NM_014714.3).
Identifiers: ClinVar variation 1912042 (VCV001912042.6), dbSNP rs371103494, ClinGen allele CA276675292.

ClinVar aggregate classification (germline): Likely benign. Review status: criteria provided, multiple submitters, no conflicts (2 of 4 stars). 2 submissions from 2 submitters: Likely benign (2). Last evaluated 2026-09-20.

Conditions:
IFT140-related disorder. Also called: IFT140-related condition.
Saldino-Mainzer syndrome (SRTD9). Also called: Renal dysplasia, retinal pigmentary dystrophy, cerebellar ataxia and skeletal dysplasia; short-rib thoracic dysplasia 9 with or without polydactyly; CONORENAL SYNDROME; SHORT-RIB THORACIC DYSPLASIA 9 WITHOUT POLYDACTYLY. Identifiers: Orphanet 140969, MedGen C1849437, MONDO:0009964, OMIM 266920.

Allele frequency attached by ClinVar (database versions not stated): gnomAD exomes below 0.00001; ESP Exome Variant Server 0.00008.
gnomAD v4.1: 1 of 1,606,762 alleles (0.000062%); highest among the groups gnomAD compares: Non-Finnish European, 0.000085%; no homozygotes.

Submissions (2):

PreventionGenetics, part of Exact Sciences
Classification: Likely benign for IFT140-related condition. Last evaluated: 2026-09-20. Review status: criteria provided, single submitter. Criteria: ACMG Guidelines, 2015. Collection method: clinical testing. Allele origin: germline.
Comment: This variant is classified as likely benign based on ACMG/AMP sequence variant interpretation guidelines (Richards et al. 2015 PMID: 25741868, with internal and published modifications).

Labcorp Genetics (formerly Invitae), Labcorp
Classification: Likely benign for Saldino-Mainzer syndrome. Last evaluated: 2025-02-24. Review status: criteria provided, single submitter. Criteria: Invitae Variant Classification Sherloc (09022015). Collection method: clinical testing. Allele origin: germline.